The following is an entry in ClinVar:

NM_206933.4(USH2A):c.3405G>C (p.Arg1135Ser)

Genes: USH2A (usherin; minus strand), USH2A-AS1 (USH2A antisense RNA 1; plus strand). Cytogenetic location: 1q41.
Variant type: single nucleotide variant.
Coding change: c.3405G>C on transcript NM_206933.4 (MANE Select); coding-DNA position 3405, G replaced by C.
Protein change: p.Arg1135Ser; replaces arginine 1135 with serine.
Molecular consequence: missense variant.
Genome position (GRCh38, 1-based): chr1:216,200,033, C>G on the plus strand (G>C on the coding strand, the complement: USH2A is on the minus strand). VCF-style: chr1-216200033-C-G. GRCh37 (hg19) VCF-style: chr1-216373375-C-G.
Other names: c.3405G>C, p.Arg1135Ser (NM_007123.6); short protein forms R1135S.
Identifiers: ClinVar variation 48501 (VCV000048501.13), dbSNP rs372843685, ClinGen allele CA143463.

ClinVar aggregate classification (germline): Uncertain significance. Review status: criteria provided, multiple submitters, no conflicts (2 of 4 stars). 6 submissions from 5 submitters: Uncertain significance (5). 1 of the submissions does not count toward it. Last evaluated 2025-09-25.

Conditions:
Inborn genetic diseases. Identifiers: MedGen C0950123, MeSH D030342.
Usher syndrome type 2A. Also called: RETINAL DISEASE IN USHER SYNDROME TYPE IIA, MODIFIER OF; USHER SYNDROME, TYPE IIA. Identifiers: Orphanet 231178, Orphanet 886, MedGen C1848634, MONDO:0010169, OMIM 276901.
Retinitis pigmentosa 39 (RP39). Identifiers: Orphanet 791, MedGen C3151138, MONDO:0013436, OMIM 613809.

Allele frequency attached by ClinVar (database versions not stated): gnomAD 0.00001; ExAC 0.00002; TOPMed 0.00002; ESP Exome Variant Server 0.00008.
gnomAD v4.1: 18 of 1,613,818 alleles (0.0011%); highest among the groups gnomAD compares: Admixed American, 0.0067%; no homozygotes.

Submissions (6):

Ambry Genetics
Classification: Uncertain significance for Inborn genetic diseases. Last evaluated: 2025-09-25. Review status: criteria provided, single submitter. Criteria: Ambry Variant Classification Scheme 2023. Collection method: clinical testing. Allele origin: germline.

Labcorp Genetics (formerly Invitae), Labcorp
Classification: Uncertain significance. Last evaluated: 2024-06-24. Review status: criteria provided, single submitter. Criteria: Invitae Variant Classification Sherloc (09022015). Collection method: clinical testing. Allele origin: germline.
Comment: This sequence change replaces arginine, which is basic and polar, with serine, which is neutral and polar, at codon 1135 of the USH2A protein (p.Arg1135Ser). This variant is present in population databases (rs372843685, gnomAD 0.01%). This variant has not been reported in the literature in individuals affected with USH2A-related conditions. ClinVar contains an entry for this variant (Variation ID: 48501). Advanced modeling of protein sequence and biophysical properties (such as structural, functional, and spatial information, amino acid conservation, physicochemical variation, residue mobility, and thermodynamic stability) performed at Invitae indicates that this missense variant is not expected to disrupt USH2A protein function with a negative predictive value of 95%. In summary, the available evidence is currently insufficient to determine the role of this variant in disease. Therefore, it has been classified as a Variant of Uncertain Significance.

Genome-Nilou Lab
Classification: Uncertain significance for Retinitis pigmentosa 39. Last evaluated: 2023-11-04. Review status: criteria provided, single submitter. Criteria: ACMG Guidelines, 2015. Collection method: clinical testing. Allele origin: germline. Affected: no.

Genome-Nilou Lab
Classification: Uncertain significance for Usher syndrome type 2A. Last evaluated: 2023-11-04. Review status: criteria provided, single submitter. Criteria: ACMG Guidelines, 2015. Collection method: clinical testing. Allele origin: germline. Affected: no.

Laboratory for Molecular Medicine, Mass General Brigham Personalized Medicine
Classification: Uncertain significance. Last evaluated: 2015-06-24. Review status: criteria provided, single submitter. Criteria: LMM Criteria. Collection method: clinical testing. Allele origin: germline. Observed: 2 variant alleles.
Comment: Variant classified as Uncertain Significance - Favor Benign. It has also been identified in 2/66710 European chromoso mes by the Exome Aggregation Consortium (ExAC; d bSNP rs372843685). Although this variant has been seen in the general population , its frequency is not high enough to rule out a pathogenic role. Arginine (Arg) at position 1135 is not conserved in mammals or evolutionarily distant species, and 2 species (X. tropicalis and zebrafish) carry a serine (Ser), raising the p ossibility that a change at this position may be tolerated. Additional computati onal prediction tools do not provide strong support for or against an impact to the protein. In summary, while the clinical significance of the p.Arg1135Ser var iant is uncertain, its lack of conservation suggests that it is more likely to b e benign.

Natera, Inc.
Classification: Uncertain significance for Usher syndrome type 2A. Last evaluated: 2019-11-11. Review status: no assertion criteria provided. Collection method: clinical testing. Allele origin: germline. Not counted in ClinVar's aggregate classification.